The following is an entry in ClinVar:

ClinVar aggregate classification (germline): Conflicting classifications of pathogenicity. Review status: criteria provided, conflicting classifications (1 of 4 stars). 2 submissions from 2 submitters: Uncertain significance (1); Likely benign (1). Last evaluated 2024-11-26.

Allele frequency attached by ClinVar (database versions not stated): 1000 Genomes Project 30x 0.00109; 1000 Genomes Project 0.00140; TOPMed 0.00157; ExAC 0.00169; gnomAD 0.00169; ESP Exome Variant Server 0.00208; gnomAD exomes 0.00238.
gnomAD v4.1: 3,675 of 1,614,010 alleles (0.23%); highest among the groups gnomAD compares: Non-Finnish European, 0.29%; 7 homozygotes.

Submissions (2):

Blueprint Genetics
Classification: Likely benign. Last evaluated: 2024-11-26. Review status: criteria provided, single submitter. Criteria: ACMG Guidelines, 2015. Collection method: clinical testing. Allele origin: germline.

GeneDx
Classification: Uncertain significance. Last evaluated: 2022-03-08. Review status: criteria provided, single submitter. Criteria: GeneDx Variant Classification Process June 2021. Collection method: clinical testing. Allele origin: germline. Affected: yes.
Comment: Has not been previously published as pathogenic or benign to our knowledge; In-silico analysis is inconclusive as to whether the variant alters gene splicing. In the absence of RNA/functional studies, the actual effect of this sequence change is unknown.

NM_012205.3(HAAO):c.681C>T (p.Asp227=)

Gene: HAAO (3-hydroxyanthranilate 3,4-dioxygenase; minus strand). Cytogenetic location: 2p21.
Variant type: single nucleotide variant.
Coding change: c.681C>T on transcript NM_012205.3 (MANE Select); coding-DNA position 681, C replaced by T.
Protein change: p.Asp227=; no amino-acid change (aspartic acid 227 retained).
Molecular consequence: synonymous variant.
Genome position (GRCh38, 1-based): chr2:42,767,878, G>A on the plus strand (C>T on the coding strand, the complement: HAAO is on the minus strand). VCF-style: chr2-42767878-G-A. GRCh37 (hg19) VCF-style: chr2-42995018-G-A.
Identifiers: ClinVar variation 1704828 (VCV001704828.3), dbSNP rs150537416, ClinGen allele CA1630913.